The following is an entry in ClinVar:

ClinVar aggregate classification (germline): Uncertain significance (1 of 4 stars; one submission).

Conditions:
Joubert syndrome 18 (JBTS18). Identifiers: Orphanet 2754, MedGen C3553758, MONDO:0013896, OMIM 614815.

Allele frequency attached by ClinVar (database versions not stated): TOPMed below 0.00001.
gnomAD v4.1: 3 of 1,613,928 alleles (0.00019%); highest among the groups gnomAD compares: Non-Finnish European, 0.00017%; no homozygotes.

Submission:

Baylor Genetics
Classification: Uncertain significance for Joubert syndrome 18. Last evaluated: 2020-03-06. Review status: criteria provided, single submitter. Criteria: ACMG Guidelines, 2015. Collection method: clinical testing. Allele origin: unknown. Affected: yes.
Comment: This variant was determined to be of uncertain significance according to ACMG Guidelines, 2015 [PMID:25741868].

NM_015631.6(TCTN3):c.730C>G (p.Pro244Ala)

Gene: TCTN3 (tectonic family member 3; minus strand). Cytogenetic location: 10q24.1.
Variant type: single nucleotide variant.
Coding change: c.730C>G on transcript NM_015631.6 (MANE Select); coding-DNA position 730, C replaced by G.
Protein change: p.Pro244Ala; replaces proline 244 with alanine.
Molecular consequence: missense variant. On other transcripts: intron variant (1).
Genome position (GRCh38, 1-based): chr10:95,687,253, G>C on the plus strand (C>G on the coding strand, the complement: TCTN3 is on the minus strand). VCF-style: chr10-95687253-G-C. GRCh37 (hg19) VCF-style: chr10-97447010-G-C.
Other names: c.500-94C>G (NM_001143973.2); short protein forms P244A.
Identifiers: ClinVar variation 1027990 (VCV001027990.1), dbSNP rs1389518788, ClinGen allele CA377707477.